The following is an entry in ClinVar:

ClinVar aggregate classification (germline): Uncertain significance. Review status: criteria provided, multiple submitters, no conflicts (2 of 4 stars). 3 submissions from 3 submitters: Uncertain significance (3). Last evaluated 2025-05-25.

Conditions:
Infantile-onset X-linked spinal muscular atrophy. Also called: Spinal muscular atrophy, X-linked 2; ARTHROGRYPOSIS, X-LINKED, TYPE I; SPINAL MUSCULAR ATROPHY, X-LINKED LETHAL INFANTILE; AMC, DISTAL, X-LINKED; Spinal Muscular Atrophy, X-Linked Infantile. Identifiers: Orphanet 1145, MedGen C1844934, MONDO:0010532, OMIM 301830.
VEXAS syndrome. Identifiers: Orphanet 596753, MedGen C5435753, MONDO:0026777, OMIM 301054.

gnomAD v4.1: 3 of 1,210,098 alleles (0.00025%); highest among the groups gnomAD compares: Admixed American, 0.0066%; no homozygotes.

Submissions (3):

Labcorp Genetics (formerly Invitae), Labcorp
Classification: Uncertain significance for Infantile-onset X-linked spinal muscular atrophy. Last evaluated: 2025-05-25. Review status: criteria provided, single submitter. Criteria: Invitae Variant Classification Sherloc (09022015). Collection method: clinical testing. Allele origin: germline.
Comment: This sequence change replaces lysine, which is basic and polar, with asparagine, which is neutral and polar, at codon 268 of the UBA1 protein (p.Lys268Asn). This variant is present in population databases (rs781996319, gnomAD 0.008%). This variant has not been reported in the literature in individuals affected with UBA1-related conditions. ClinVar contains an entry for this variant (Variation ID: 1318833). An algorithm developed to predict the effect of missense changes on protein structure and function (PolyPhen-2) suggests that this variant is likely to be tolerated. In summary, the available evidence is currently insufficient to determine the role of this variant in disease. Therefore, it has been classified as a Variant of Uncertain Significance.

Fulgent Genetics
Classification: Uncertain significance for VEXAS syndrome; Infantile-onset X-linked spinal muscular atrophy. Last evaluated: 2022-05-20. Review status: criteria provided, single submitter. Criteria: ACMG Guidelines, 2015. Collection method: clinical testing. Allele origin: unknown.

GeneDx
Classification: Uncertain significance. Last evaluated: 2019-08-30. Review status: criteria provided, single submitter. Criteria: GeneDx Variant Classification Process June 2021. Collection method: clinical testing. Allele origin: germline. Affected: yes.
Comment: In silico analysis, which includes protein predictors and evolutionary conservation, supports a deleterious effect; Has not been previously published as pathogenic or benign to our knowledge

NM_003334.4(UBA1):c.804A>T (p.Lys268Asn)

Gene: UBA1 (ubiquitin like modifier activating enzyme 1; plus strand). Cytogenetic location: Xp11.3.
Variant type: single nucleotide variant.
Coding change: c.804A>T on transcript NM_003334.4 (MANE Select); coding-DNA position 804, A replaced by T.
Protein change: p.Lys268Asn; replaces lysine 268 with asparagine.
Molecular consequence: missense variant.
Genome position (GRCh38, 1-based): chrX:47,201,603, A>T. VCF-style: chrX-47201603-A-T. GRCh37 (hg19) VCF-style: chrX-47061002-A-T.
Other names: c.804A>T, p.Lys268Asn (NM_153280.3); short protein forms K268N.
Identifiers: ClinVar variation 1318833 (VCV001318833.6), dbSNP rs781996319, ClinGen allele CA10395756.